The following is an entry in ClinVar:

ClinVar aggregate classification (germline): Pathogenic (1 of 4 stars; one submission).

Conditions:
Familial cancer of breast. Also called: hereditary breast carcinoma; BREAST CANCER, FAMILIAL; Hereditary breast cancer. Identifiers: Orphanet 227535, MedGen C0346153, MONDO:0016419, OMIM 114480. Disease mechanism: loss of function.

Submission:

Myriad Genetics, Inc.
Classification: Pathogenic for Familial cancer of breast. Last evaluated: 2024-02-01. Review status: criteria provided, single submitter. Criteria: Myriad Autosomal Dominant, Autosomal Recessive and X-Linked Classification Criteria (2023). Collection method: clinical testing. Allele origin: unknown.
Comment: This variant is considered pathogenic. This variant creates a frameshift predicted to result in premature protein truncation.

NM_000051.4(ATM):c.7903dup (p.Ala2635fs)

Genes: ATM (ATM serine/threonine kinase; plus strand), C11orf65 (chromosome 11 open reading frame 65; minus strand). Cytogenetic location: 11q22.3.
Variant type: Duplication.
Coding change: c.7903dup on transcript NM_000051.4 (MANE Select); coding-DNA position 7903, one base duplicated (G; older notation c.7903dupG).
Protein change: p.Ala2635fs; shifts the reading frame from alanine 2635.
Molecular consequence: frameshift variant. On other transcripts: intron variant (2).
Genome position (GRCh38, 1-based): chr11:108,332,876, G duplicated. VCF-style (leftmost placement, unchanged base first): chr11-108332875-T-TG. GRCh37 (hg19) VCF-style: chr11-108203602-T-TG.
Other names: c.7903dup, p.Ala2635fs (NM_001351834.2); c.641-23805dup (NM_001330368.2); c.*38+2344dup (NM_001351110.2); short protein forms A2635fs.
Identifiers: ClinVar variation 3148264 (VCV003148264.1), dbSNP rs2547300787, ClinGen allele CA2825001975.
Genomic context (GRCh38, chr11:108,332,875, plus strand): 5'-TCAGATGGTCAGAAGTGTTGAGGCACTTTGTGATGCTTATATTATATTAGCAAACTTAGA[T>TG]GCCACTCAGTGGAAGACTCAGAGAAGTATGTTTTTTTTAAAGAAGAAACGTTACTTTCTT-3'